The following is an entry in ClinVar:

ClinVar aggregate classification (germline): Uncertain significance (1 of 4 stars; one submission).

Allele frequency attached by ClinVar (database versions not stated): gnomAD 0.00001.
gnomAD v4.1: 2 of 1,612,882 alleles (0.00012%); highest among the groups gnomAD compares: African/African-American, 0.0013%; no homozygotes.

Submission:

Labcorp Genetics (formerly Invitae), Labcorp
Classification: Uncertain significance. Last evaluated: 2025-04-11. Review status: criteria provided, single submitter. Criteria: Invitae Variant Classification Sherloc (09022015). Collection method: clinical testing. Allele origin: germline.
Comment: This sequence change replaces threonine, which is neutral and polar, with serine, which is neutral and polar, at codon 81 of the FZD4 protein (p.Thr81Ser). This variant is not present in population databases (gnomAD no frequency). This variant has not been reported in the literature in individuals affected with FZD4-related conditions. ClinVar contains an entry for this variant (Variation ID: 1430811). Invitae Evidence Modeling of protein sequence and biophysical properties (such as structural, functional, and spatial information, amino acid conservation, physicochemical variation, residue mobility, and thermodynamic stability) indicates that this missense variant is not expected to disrupt FZD4 protein function with a negative predictive value of 80%. In summary, the available evidence is currently insufficient to determine the role of this variant in disease. Therefore, it has been classified as a Variant of Uncertain Significance.

NM_012193.4(FZD4):c.241A>T (p.Thr81Ser)

Gene: FZD4 (frizzled class receptor 4; minus strand). Cytogenetic location: 11q14.2.
Variant type: single nucleotide variant.
Coding change: c.241A>T on transcript NM_012193.4 (MANE Select); coding-DNA position 241, A replaced by T.
Protein change: p.Thr81Ser; replaces threonine 81 with serine.
Molecular consequence: missense variant.
Genome position (GRCh38, 1-based): chr11:86,954,845, T>A on the plus strand (A>T on the coding strand, the complement: FZD4 is on the minus strand). VCF-style: chr11-86954845-T-A. GRCh37 (hg19) VCF-style: chr11-86665887-T-A.
Other names: short protein forms T81S.
Identifiers: ClinVar variation 1430811 (VCV001430811.6), dbSNP rs759980701, ClinGen allele CA382018213.